The following is an entry in ClinVar:

ClinVar aggregate classification (germline): Uncertain significance. Review status: criteria provided, multiple submitters, no conflicts (2 of 4 stars). 4 submissions from 4 submitters: Uncertain significance (4). Last evaluated 2024-04-19.

Conditions:
Joubert syndrome 17 (JBTS17). Identifiers: Orphanet 475, MedGen C3553264, MONDO:0013824, OMIM 614615.
Orofaciodigital syndrome type 6 (OFD6). Also called: OROFACIODIGITAL SYNDROME VI; OFDS VI; POLYDACTYLY, CLEFT LIP/PALATE OR LINGUAL LUMP, AND PSYCHOMOTOR RETARDATION; VARADI SYNDROME; VARADI-PAPP SYNDROME; Oral-facial-digital syndrome type 6. Identifiers: Orphanet 2754, MedGen C2745997, MONDO:0010176, OMIM 277170.

Allele frequency attached by ClinVar (database versions not stated): gnomAD exomes 0.00001 and below 0.00001; ExAC 0.00002; gnomAD 0.00003 and 0.00006; TOPMed 0.00005; ESP Exome Variant Server 0.00008.
gnomAD v4.1: 13 of 1,613,872 alleles (0.00081%); highest among the groups gnomAD compares: Non-Finnish European, 0.00076%; no homozygotes.

Submissions (4):

Fulgent Genetics
Classification: Uncertain significance for Orofaciodigital syndrome type 6; Joubert syndrome 17. Last evaluated: 2024-04-19. Review status: criteria provided, single submitter. Criteria: ACMG Guidelines, 2015. Collection method: clinical testing. Allele origin: germline.

Blueprint Genetics
Classification: Uncertain significance. Last evaluated: 2022-09-23. Review status: criteria provided, single submitter. Criteria: ACMG Guidelines, 2015. Collection method: clinical testing. Allele origin: germline.

Labcorp Genetics (formerly Invitae), Labcorp
Classification: Uncertain significance. Last evaluated: 2022-06-09. Review status: criteria provided, single submitter. Criteria: Invitae Variant Classification Sherloc (09022015). Collection method: clinical testing. Allele origin: germline.
Comment: This sequence change replaces serine, which is neutral and polar, with phenylalanine, which is neutral and non-polar, at codon 1452 of the CPLANE1 protein (p.Ser1452Phe). This variant is present in population databases (rs138792462, gnomAD 0.002%). This variant has not been reported in the literature in individuals affected with CPLANE1-related conditions. ClinVar contains an entry for this variant (Variation ID: 905349). Advanced modeling of protein sequence and biophysical properties (such as structural, functional, and spatial information, amino acid conservation, physicochemical variation, residue mobility, and thermodynamic stability) performed at Invitae indicates that this missense variant is expected to disrupt CPLANE1 protein function. In summary, the available evidence is currently insufficient to determine the role of this variant in disease. Therefore, it has been classified as a Variant of Uncertain Significance.

Illumina Laboratory Services, Illumina
Classification: Uncertain significance for Joubert syndrome 17. Last evaluated: 2018-01-13. Review status: criteria provided, single submitter. Criteria: ICSL Variant Classification Criteria 13 December 2019. Collection method: clinical testing. Allele origin: germline.

NM_001384732.1(CPLANE1):c.4355C>T (p.Ser1452Phe)

Genes: CPLANE1 (ciliogenesis and planar polarity effector complex subunit 1; minus strand), LOC129389274 (MPRA-validated peak5227 silencer; plus strand). Cytogenetic location: 5p13.2.
Variant type: single nucleotide variant.
Coding change: c.4355C>T on transcript NM_001384732.1 (MANE Select); coding-DNA position 4355, C replaced by T.
Protein change: p.Ser1452Phe; replaces serine 1452 with phenylalanine.
Molecular consequence: missense variant.
Genome position (GRCh38, 1-based): chr5:37,184,914, G>A on the plus strand (C>T on the coding strand, the complement: CPLANE1 is on the minus strand). VCF-style: chr5-37184914-G-A. GRCh37 (hg19) VCF-style: chr5-37185016-G-A.
Other names: c.4355C>T, p.Ser1452Phe (NM_023073.4); short protein forms S1452F.
Identifiers: ClinVar variation 905349 (VCV000905349.7), dbSNP rs138792462, ClinGen allele CA3238716.